The following is an entry in ClinVar:

ClinVar aggregate classification (germline): Likely benign (1 of 4 stars; one submission).

Submission:

CeGaT Center for Human Genetics Tuebingen
Classification: Likely benign. Last evaluated: 2023-01-01. Review status: criteria provided, single submitter. Criteria: CeGaT Center For Human Genetics Tuebingen Variant Classification Criteria Version 2. Collection method: clinical testing. Allele origin: germline. Affected: yes. Observed: 1 variant allele.
Comment: LPIN1: PM2:Supporting, BP4, BP7

NM_001349206.2(LPIN1):c.501G>A (p.Leu167=)

Gene: LPIN1 (lipin 1; plus strand). Cytogenetic location: 2p25.1.
Variant type: single nucleotide variant.
Coding change: c.501G>A on transcript NM_001349206.2 (MANE Select); coding-DNA position 501, G replaced by A.
Protein change: p.Leu167=; no amino-acid change (leucine 167 retained).
Molecular consequence: synonymous variant. On other transcripts: non-coding transcript variant (1).
Genome position (GRCh38, 1-based): chr2:11,771,584, G>A. VCF-style: chr2-11771584-G-A. GRCh37 (hg19) VCF-style: chr2-11911710-G-A.
Other names: c.519G>A, p.Leu173= (NM_001261427.3); c.648G>A, p.Leu216= (NM_001261428.3, NM_001349208.2); c.501G>A, p.Leu167= (NM_001349199.2, NM_001349200.2, NM_001349201.2 and 5 more transcripts); c.591G>A, p.Leu197= (NM_001349207.2).
Identifiers: ClinVar variation 2650688 (VCV002650688.24), dbSNP rs2546092753, ClinGen allele CA425089121.